The following is an entry in ClinVar:

ClinVar aggregate classification (germline): Uncertain significance (1 of 4 stars; one submission).

Submission:

Labcorp Genetics (formerly Invitae), Labcorp
Classification: Uncertain significance. Last evaluated: 2023-07-07. Review status: criteria provided, single submitter. Criteria: Invitae Variant Classification Sherloc (09022015). Collection method: clinical testing. Allele origin: germline.
Comment: This sequence change replaces glycine, which is neutral and non-polar, with aspartic acid, which is acidic and polar, at codon 407 of the PIGV protein (p.Gly407Asp). This variant is not present in population databases (gnomAD no frequency). This variant has not been reported in the literature in individuals affected with PIGV-related conditions. ClinVar contains an entry for this variant (Variation ID: 1502983). Advanced modeling of protein sequence and biophysical properties (such as structural, functional, and spatial information, amino acid conservation, physicochemical variation, residue mobility, and thermodynamic stability) has been performed at Invitae for this missense variant, however the output from this modeling did not meet the statistical confidence thresholds required to predict the impact of this variant on PIGV protein function. Algorithms developed to predict the effect of sequence changes on RNA splicing suggest that this variant may create or strengthen a splice site. In summary, the available evidence is currently insufficient to determine the role of this variant in disease. Therefore, it has been classified as a Variant of Uncertain Significance.

NM_017837.4(PIGV):c.1220G>A (p.Gly407Asp)

Gene: PIGV (phosphatidylinositol glycan anchor biosynthesis class V; plus strand). Cytogenetic location: 1p36.11.
Variant type: single nucleotide variant.
Coding change: c.1220G>A on transcript NM_017837.4 (MANE Select); coding-DNA position 1220, G replaced by A.
Protein change: p.Gly407Asp; replaces glycine 407 with aspartic acid.
Molecular consequence: missense variant. On other transcripts: non-coding transcript variant (1).
Genome position (GRCh38, 1-based): chr1:26,797,582, G>A. VCF-style: chr1-26797582-G-A. GRCh37 (hg19) VCF-style: chr1-27124073-G-A.
Other names: c.1220G>A, p.Gly407Asp (NM_001202554.2, NM_001374478.1, NM_001374480.1 and 2 more transcripts); c.839G>A, p.Gly280Asp (NM_001374483.1); c.593G>A, p.Gly198Asp (NM_001374484.1, NM_001374485.1); c.98G>A, p.Gly33Asp (NM_001374486.1); short protein forms G280D, G407D, G33D, G198D.
Identifiers: ClinVar variation 1502983 (VCV001502983.8), dbSNP rs1330977790, ClinGen allele CA339203570.